The following is an entry in ClinVar:

ClinVar aggregate classification (germline): Uncertain significance (1 of 4 stars; one submission).

gnomAD v4.1: 2 of 1,249,800 alleles (0.00016%); highest among the groups gnomAD compares: Admixed American, 0.0085%; no homozygotes.

Submission:

Ambry Genetics
Classification: Uncertain significance. Last evaluated: 2025-01-03. Review status: criteria provided, single submitter. Criteria: Ambry Variant Classification Scheme 2023. Collection method: clinical testing. Allele origin: germline.
Comment: The p.R30G variant (also known as c.88C>G), located in coding exon 1 of the WNK2 gene, results from a C to G substitution at nucleotide position 88. The arginine at codon 30 is replaced by glycine, an amino acid with dissimilar properties. This amino acid position is conserved. In addition, this alteration is predicted to be tolerated by in silico analysis. Based on the available evidence, the clinical significance of this variant remains unclear.

NM_006648.4(WNK2):c.88C>G (p.Arg30Gly)

Gene: WNK2 (WNK lysine deficient protein kinase 2; plus strand). Cytogenetic location: 9q22.31.
Variant type: single nucleotide variant.
Coding change: c.88C>G on transcript NM_006648.4 (MANE Select); coding-DNA position 88, C replaced by G.
Protein change: p.Arg30Gly; replaces arginine 30 with glycine.
Molecular consequence: missense variant.
Genome position (GRCh38, 1-based): chr9:93,185,017, C>G. VCF-style: chr9-93185017-C-G. GRCh37 (hg19) VCF-style: chr9-95947299-C-G.
Other names: c.88C>G, p.Arg30Gly (NM_001282394.3); short protein forms R30G.
Identifiers: ClinVar variation 3816698 (VCV003816698.1).